The following is an entry in ClinVar:

NM_003072.5(SMARCA4):c.222+6G>T

Gene: SMARCA4 (SWI/SNF related BAF chromatin remodeling complex subunit ATPase 4; plus strand). Cytogenetic location: 19p13.2.
Variant type: single nucleotide variant.
Coding change: c.222+6G>T on transcript NM_003072.5 (MANE Select); 6 bases into the intron after coding-DNA position 222, G replaced by T.
Molecular consequence: intron variant.
Genome position (GRCh38, 1-based): chr19:10,984,379, G>T. VCF-style: chr19-10984379-G-T. GRCh37 (hg19) VCF-style: chr19-11095055-G-T.
Other names: c.222+6G>T (NM_001128844.3, NM_001128849.3, NM_001128847.4 and 5 more transcripts).
Identifiers: ClinVar variation 408661 (VCV000408661.10), dbSNP rs769669992, ClinGen allele CA16616111.
Genomic context (GRCh38, chr19:10,984,379, plus strand): 5'-CCCCACCCAGGGGCCTGGAGGGTACCCTCAGGACAACATGCACCAGATGCACAAGGTAGG[G>T]ATCCCTGTGCCCGCCTCGCACCTGCGGCCTCTGCCCACTAGGGCTGCAGGCAGCCTCTGG-3'

ClinVar aggregate classification (germline): Uncertain significance. Review status: criteria provided, multiple submitters, no conflicts (2 of 4 stars). 3 submissions from 3 submitters: Uncertain significance (3). Last evaluated 2024-01-25.

Conditions:
Hereditary cancer-predisposing syndrome. Also called: Hereditary Cancer Syndrome; Hereditary neoplastic syndrome; Neoplastic Syndromes, Hereditary; Tumor predisposition. Identifiers: Orphanet 140162, MedGen C0027672, MeSH D009386, MONDO:0015356.
Rhabdoid tumor predisposition syndrome 2 (RTPS2). Identifiers: Orphanet 231108, Orphanet 69077, MedGen C2750074, MONDO:0013224, OMIM 613325.

gnomAD v4.1: 1 of 1,574,664 alleles (0.000064%); highest among the groups gnomAD compares: Non-Finnish European, 0.000086%; no homozygotes.

Submissions (3):

Quest Diagnostics Nichols Institute San Juan Capistrano
Classification: Uncertain significance. Last evaluated: 2024-01-25. Review status: criteria provided, single submitter. Criteria: Quest Diagnostics criteria. Collection method: clinical testing. Allele origin: unknown.
Comment: The SMARCA4 c.222+6G>T variant has not been reported in individuals with SMARCA4-related conditions in the published literature. It also has not been reported in large, multi-ethnic general populations (Genome Aggregation Database). Analysis of this variant using software algorithms for the prediction of the effect of nucleotide changes on splicing yielded predictions that this variant does not affect SMARCA4 mRNA splicing. Based on the available information, we are unable to determine the clinical significance of this variant.

Labcorp Genetics (formerly Invitae), Labcorp
Classification: Uncertain significance for Rhabdoid tumor predisposition syndrome 2. Last evaluated: 2023-06-10. Review status: criteria provided, single submitter. Criteria: Invitae Variant Classification Sherloc (09022015). Collection method: clinical testing. Allele origin: germline.
Comment: Variants that disrupt the consensus splice site are a relatively common cause of aberrant splicing (PMID: 17576681, 9536098). Algorithms developed to predict the effect of sequence changes on RNA splicing suggest that this variant is not likely to affect RNA splicing. In summary, the available evidence is currently insufficient to determine the role of this variant in disease. Therefore, it has been classified as a Variant of Uncertain Significance. ClinVar contains an entry for this variant (Variation ID: 408661). This variant has not been reported in the literature in individuals affected with SMARCA4-related conditions. This variant is not present in population databases (gnomAD no frequency). This sequence change falls in intron 2 of the SMARCA4 gene. It does not directly change the encoded amino acid sequence of the SMARCA4 protein. It affects a nucleotide within the consensus splice site.

Ambry Genetics
Classification: Uncertain significance for Hereditary cancer-predisposing syndrome. Last evaluated: 2015-08-13. Review status: criteria provided, single submitter. Criteria: Ambry Variant Classification Scheme 2023. Collection method: clinical testing. Allele origin: germline.
Comment: The c.222+6G>T intronic alteration consists of a G to T substitution nucleotides after coding exon 1 in the SMARCA4 gene. Based on insufficient or conflicting evidence, the clinical significance of this alteration remains unclear.

Literature cited by the submitters: PubMed 17576681 (cited by Labcorp Genetics (formerly Invitae), Labcorp); PubMed 9536098 (cited by Labcorp Genetics (formerly Invitae), Labcorp).